The following is an entry in ClinVar:

NM_005045.4(RELN):c.7110T>C (p.Val2370=)

Gene: RELN (reelin; minus strand). Cytogenetic location: 7q22.1.
Variant type: single nucleotide variant.
Coding change: c.7110T>C on transcript NM_005045.4 (MANE Select); coding-DNA position 7110, T replaced by C.
Protein change: p.Val2370=; no amino-acid change (valine 2370 retained).
Molecular consequence: synonymous variant.
Genome position (GRCh38, 1-based): chr7:103,539,148, A>G on the plus strand (T>C on the coding strand, the complement: RELN is on the minus strand). VCF-style: chr7-103539148-A-G. GRCh37 (hg19) VCF-style: chr7-103179595-A-G.
Other names: p.V2370V:GTT>GTC; p.Val2370=; c.7110T>C, p.Val2370= (NM_173054.3).
Identifiers: ClinVar variation 95228 (VCV000095228.29), dbSNP rs362746, ClinGen allele CA148350.

ClinVar aggregate classification (germline): Benign. Review status: criteria provided, multiple submitters, no conflicts (2 of 4 stars). 11 submissions from 11 submitters: Benign (8). 3 of the submissions do not count toward it. Last evaluated 2026-02-03.

Conditions:
Norman-Roberts syndrome (LIS2). Also called: Lissencephaly 2 (Norman-Roberts type). Identifiers: Orphanet 89844, MedGen C0796089, MONDO:0009760, OMIM 257320.
Familial temporal lobe epilepsy 7. Identifiers: Orphanet 101046, MedGen C4225327, MONDO:0014639, OMIM 616436.

Allele frequency attached by ClinVar (database versions not stated): ESP Exome Variant Server 0.01907; gnomAD 0.01926 and 0.02354; TOPMed 0.02181; gnomAD exomes 0.02920 and 0.03820; ExAC 0.03940; 1000 Genomes Project 30x 0.06043; 1000 Genomes Project 0.06210.
gnomAD v4.1: 46,453 of 1,614,178 alleles (2.9%); highest among the groups gnomAD compares: East Asian, 20%; 1,667 homozygotes.

Submissions (11):

Labcorp Genetics (formerly Invitae), Labcorp
Classification: Benign for Familial temporal lobe epilepsy 7; Norman-Roberts syndrome. Last evaluated: 2026-02-03. Review status: criteria provided, single submitter. Criteria: Invitae Variant Classification Sherloc (09022015). Collection method: clinical testing. Allele origin: germline.

Athena Diagnostics
Classification: Benign. Last evaluated: 2019-07-01. Review status: criteria provided, single submitter. Criteria: Athena Diagnostics Criteria. Collection method: clinical testing. Allele origin: germline.

Mayo Clinic Laboratories, Mayo Clinic
Classification: Benign. Last evaluated: 2018-04-10. Review status: criteria provided, single submitter. Criteria: ACMG Guidelines, 2015. Collection method: clinical testing. Allele origin: germline. Observed: 16 variant alleles.

Illumina Laboratory Services, Illumina
Classification: Benign for Norman-Roberts syndrome. Last evaluated: 2018-01-13. Review status: criteria provided, single submitter. Criteria: ICSL Variant Classification Criteria 13 December 2019. Collection method: clinical testing. Allele origin: germline.
Comment: This variant was observed in the ICSL laboratory as part of a predisposition screen in an ostensibly healthy population. It had not been previously curated by ICSL or reported in the Human Gene Mutation Database (HGMD: prior to June 1st, 2018), and was therefore a candidate for classification through an automated scoring system. Utilizing variant allele frequency, disease prevalence and penetrance estimates, and inheritance mode, an automated score was calculated to assess if this variant is too frequent to cause the disease. Based on the score and internal cut-off values, a variant classified as benign is not then subjected to further curation. The score for this variant resulted in a classification of benign for this disease.

GeneDx
Classification: Benign. Last evaluated: 2013-12-21. Review status: criteria provided, single submitter. Criteria: GeneDx Variant Classification (06012015). Collection method: clinical testing. Allele origin: germline. Affected: yes.
Comment: This variant is considered likely benign or benign based on one or more of the following criteria: it is a conservative change, it occurs at a poorly conserved position in the protein, it is predicted to be benign by multiple in silico algorithms, and/or has population frequency not consistent with disease.

Eurofins Ntd Llc (ga)
Classification: Benign. Last evaluated: 2013-09-03. Review status: criteria provided, single submitter. Criteria: EGL Classification Definitions 2015. Collection method: clinical testing. Allele origin: germline. Observed: 1 variant allele, 1 heterozygote.

Breakthrough Genomics
Classification: Benign. Review status: criteria provided, single submitter. Criteria: ACMG Guidelines, 2015. Collection method: not provided. Allele origin: germline. Inheritance: Autosomal recessive inheritance. Affected: yes.

PreventionGenetics, part of Exact Sciences
Classification: Benign. Review status: criteria provided, single submitter. Criteria: ACMG Guidelines, 2015. Collection method: clinical testing. Allele origin: germline.

Clinical Genetics DNA and cytogenetics Diagnostics Lab, Erasmus MC, Erasmus Medical Center
Classification: Benign. Review status: no assertion criteria provided. Collection method: clinical testing. Allele origin: germline. Affected: yes. Study: VKGL Data-share Consensus. Not counted in ClinVar's aggregate classification.

Clinical Genetics, Academic Medical Center
Classification: Benign. Review status: no assertion criteria provided. Collection method: clinical testing. Allele origin: germline. Affected: yes. Study: VKGL Data-share Consensus. Not counted in ClinVar's aggregate classification.

Genetic Services Laboratory, University of Chicago
Classification: Likely benign for AllHighlyPenetrant. Review status: no assertion criteria provided. Collection method: clinical testing. Allele origin: germline. Inheritance: Autosomal recessive inheritance. Not counted in ClinVar's aggregate classification.
Comment: Likely benign based on allele frequency in 1000 Genomes Project or ESP global frequency and its presence in a patient with a rare or unrelated disease phenotype. NOT Sanger confirmed.

Literature cited by the submitters: PubMed 16311013 (cited by Athena Diagnostics).